The following is an entry in ClinVar:

ClinVar aggregate classification (germline): Pathogenic. Review status: reviewed by expert panel (3 of 4 stars). 7 submissions from 7 submitters: Pathogenic (1). 6 of the submissions do not count toward it. Last evaluated 2023-08-25.

Conditions:
CDH1-related diffuse gastric and lobular breast cancer syndrome. Also called: CDH1-related diffuse gastric and lobular breast cancer. Identifiers: MedGen CN311521, MONDO:0100488.
Hereditary cancer-predisposing syndrome. Also called: Tumor predisposition; Hereditary neoplastic syndrome; Neoplastic Syndromes, Hereditary; Hereditary Cancer Syndrome. Identifiers: Orphanet 140162, MedGen C0027672, MeSH D009386, MONDO:0015356.
Hereditary diffuse gastric adenocarcinoma (HDGC). Also called: DIFFUSE GASTRIC AND LOBULAR BREAST CANCER SYNDROME. Identifiers: Orphanet 26106, MedGen C1708349, MONDO:0007648, OMIM 137215.

Submissions (7):

Clingen Gastric Cancer Variant Curation Expert Panel
Classification: Pathogenic for CDH1-related diffuse gastric and lobular breast cancer syndrome. Last evaluated: 2023-08-25. Review status: reviewed by expert panel. Criteria: ClinGen CDH1 ACMG Specifications V3.1. Collection method: curation. Allele origin: germline. Inheritance: Autosomal dominant inheritance.
Comment: The c.1064delT p.(Leu355Terfs) variant is predicted to result in a premature stop codon that leads to a truncated or absent protein (PVS1, PM5_Supporting). The variant is absent in the gnomAD cohort (PM2_Supporting). This variant has been reported in at least one family meeting HDGC clinical criteria (PS4_Supporting; PMID: 16061854). In summary, this variant meets criteria to be classified as pathogenic based on the ACMG/AMP criteria applied as specified by the CDH1 Variant Curation Expert Panel (Variant Interpretation Guidelines Version 3.1): PVS1, PM2_Supporting, PS4_Supporting, PM5_Supporting.

Labcorp Genetics (formerly Invitae), Labcorp
Classification: Pathogenic for Hereditary diffuse gastric adenocarcinoma. Last evaluated: 2025-10-24. Review status: criteria provided, single submitter. Criteria: Invitae Variant Classification Sherloc (09022015). Collection method: clinical testing. Allele origin: germline. Not counted in ClinVar's aggregate classification.
Comment: This sequence change creates a premature translational stop signal (p.Leu355*) in the CDH1 gene. It is expected to result in an absent or disrupted protein product. Loss-of-function variants in CDH1 are known to be pathogenic (PMID: 15235021, 20373070). This variant is not present in population databases (gnomAD no frequency). This premature translational stop signal has been observed in individual(s) with gastric, stomach, and bladder cancer (PMID: 16061854, 26845104). This variant is also known as c.1063del. ClinVar contains an entry for this variant (Variation ID: 224528). For these reasons, this variant has been classified as Pathogenic.

Ambry Genetics
Classification: Pathogenic for Hereditary cancer-predisposing syndrome. Last evaluated: 2025-09-10. Review status: criteria provided, single submitter. Criteria: Ambry Variant Classification Scheme 2023. Collection method: clinical testing. Allele origin: germline. Not counted in ClinVar's aggregate classification.
Comment: The c.1064delT pathogenic mutation, located in coding exon 8 of the CDH1 gene, results from a deletion of one nucleotide at nucleotide position 1064, causing a translational frameshift with a predicted alternate stop codon (p.L355*). This variant was reported in individual(s) with features consistent with CDH1-related diffuse gastric and lobular breast cancer (Suriano G et al. Clin Cancer Res, 2005 Aug;11:5401-9). Note, this variant is also referred to as c.1063del in the literature. This variant is considered to be rare based on population cohorts in the Genome Aggregation Database (gnomAD). This alteration is expected to result in loss of function by premature protein truncation or nonsense-mediated mRNA decay. As such, this alteration is interpreted as a disease-causing mutation.

Myriad Genetics, Inc.
Classification: Pathogenic for Hereditary diffuse gastric adenocarcinoma. Last evaluated: 2023-06-12. Review status: criteria provided, single submitter. Criteria: Myriad Autosomal Dominant, Autosomal Recessive and X-Linked Classification Criteria (2023). Collection method: clinical testing. Allele origin: unknown. Not counted in ClinVar's aggregate classification.
Comment: This variant is considered pathogenic. This variant creates a termination codon and is predicted to result in premature protein truncation.

Color Diagnostics, LLC DBA Color Health
Classification: Pathogenic for Hereditary cancer-predisposing syndrome. Last evaluated: 2020-05-04. Review status: criteria provided, single submitter. Criteria: ACMG Guidelines, 2015. Collection method: clinical testing. Allele origin: germline. Not counted in ClinVar's aggregate classification.
Comment: This variant deletes 1 nucleotide in exon 8 of the CDH1 gene, creating a frameshift and premature translation stop signal. This variant is expected to result in an absent or non-functional protein product. To our knowledge, functional studies have not been reported for this variant. This variant has been reported in an individual affected with diffused gastric cancer (PMID: 16061854) and another individual affected with stomach cancer described as a single focal tumor (PMID: 19269290). This variant has not been identified in the general population by the Genome Aggregation Database (gnomAD). Loss of CDH1 function is a known mechanism of disease. Based on the available evidence, this variant is classified as Pathogenic.

CSER _CC_NCGL, University of Washington
Classification: Pathogenic for Hereditary diffuse gastric cancer. Last evaluated: 2016-10-01. Review status: criteria provided, single submitter. Criteria: Amendola et al. (Genome Res. 2015). Collection method: research. Allele origin: germline. Affected: yes. Study: CSER - NEXT Medicine variant annotation. Not counted in ClinVar's aggregate classification.
Comment: This interpretation considers GERP score and allele frequency data, in addition to published reports of the variant in the literature, available at the time of review.

University of Washington Department of Laboratory Medicine, University of Washington
Classification: Pathogenic for Hereditary cancer-predisposing syndrome. Last evaluated: 2015-11-20. Review status: criteria provided, single submitter. Criteria: Shirts et al. (Genet Med 2016). Collection method: clinical testing. Allele origin: germline. Affected: yes. Observed: 2 variant alleles. Not counted in ClinVar's aggregate classification.

Literature cited by the submitters: PubMed 16061854 (cited by 3 submitters); PubMed 15235021 (cited by Labcorp Genetics (formerly Invitae), Labcorp); PubMed 20373070 (cited by Labcorp Genetics (formerly Invitae), Labcorp); PubMed 26845104 (cited by Labcorp Genetics (formerly Invitae), Labcorp).

NM_004360.5(CDH1):c.1064del (p.Gly354_Leu355insTer)

Gene: CDH1 (cadherin 1; plus strand). Cytogenetic location: 16q22.1.
Variant type: Deletion.
Coding change: c.1064del on transcript NM_004360.5 (MANE Select); coding-DNA position 1064, one base deleted (T; older notation c.1064delT).
Protein change: p.Gly354_Leu355insTer.
Molecular consequence: nonsense. On other transcripts: 5 prime UTR variant (2).
Genome position (GRCh38, 1-based): chr16:68,812,190, T deleted; the last of 2 consecutive T bases (chr16:68,812,189-68,812,190); deleting either gives the same sequence. VCF-style (leftmost placement, unchanged base first): chr16-68812188-GT-G. GRCh37 (hg19) VCF-style: chr16-68846091-GT-G.
Other names: c.1064del (LRG_301t1, NM_004360.4); c.1064del, p.Gly354_Leu355insTer (NM_001317184.2); c.-552del (NM_001317185.2); c.-756del (NM_001317186.2); c.1063delT (NM_004360.3).
Identifiers: ClinVar variation 224528 (VCV000224528.23), dbSNP rs1555515731, ClinGen allele CA336431.